The following is an entry in ClinVar:

ClinVar aggregate classification (germline): Pathogenic (1 of 4 stars; one submission).

Conditions:
Nemaline myopathy 7 (NEM7). Also called: Nemaline myopathy 7, autosomal recessive. Identifiers: Orphanet 171436, MedGen C1853154, MONDO:0012538, OMIM 610687.

Submission:

Labcorp Genetics (formerly Invitae), Labcorp
Classification: Pathogenic for Nemaline myopathy 7. Last evaluated: 2022-05-31. Review status: criteria provided, single submitter. Criteria: Invitae Variant Classification Sherloc (09022015). Collection method: clinical testing. Allele origin: germline.
Comment: This variant is not present in population databases (gnomAD no frequency). This variant has not been reported in the literature in individuals affected with CFL2-related conditions. For these reasons, this variant has been classified as Pathogenic. This sequence change creates a premature translational stop signal (p.Ala52Serfs*12) in the CFL2 gene. It is expected to result in an absent or disrupted protein product. Loss-of-function variants in CFL2 are known to be pathogenic (PMID: 24610938, 27447704, 29457652).

Literature cited by the submitters: PubMed 24610938; PubMed 27447704; PubMed 29457652.

NM_138638.5(CFL2):c.154_157del (p.Ala52fs)

Gene: CFL2 (cofilin 2; minus strand). Cytogenetic location: 14q13.1.
Variant type: Deletion.
Coding change: c.154_157del on transcript NM_138638.5 (MANE Select); coding-DNA positions 154 to 157, 4 bases deleted (GCAA; older notation c.154_157delGCAA).
Protein change: p.Ala52fs; shifts the reading frame from alanine 52.
Molecular consequence: frameshift variant. On other transcripts: non-coding transcript variant (1).
Genome position (GRCh38, 1-based): chr14:34,713,408-34,713,411, TTGC deleted on the plus strand (GCAA on the coding strand, the reverse complement: CFL2 is on the minus strand); deleting any 4 consecutive bases within chr14:34,713,408-34,713,413 gives the same sequence; the c. name uses the placement nearest the transcript's 3' end. VCF-style (leftmost placement, unchanged base first): chr14-34713407-TTTGC-T. GRCh37 (hg19) VCF-style: chr14-35182613-TTTGC-T.
Other names: c.103_106del, p.Ala35fs (NM_001243645.2); c.154_157del, p.Ala52fs (NM_021914.8); short protein forms A52fs, A35fs.
Identifiers: ClinVar variation 2000758 (VCV002000758.4), dbSNP rs2502579467, ClinGen allele CA2580088036.
Genomic context (GRCh38, chr14:34,713,407, plus strand): 5'-TTCACAAAAGATGTGTAGGGGTCCTCTACAGTATCACCAATGTCACCCACCAAGATCTGC[TTTGC>T]TTCCTCTACAATTATTTGTCTTTTGTCATCGCTTAAACAGAAGAGAACTGCTTTCTTTCT-3'